The following is an entry in ClinVar:

ClinVar aggregate classification (germline): Likely benign. Review status: criteria provided, multiple submitters, no conflicts (2 of 4 stars). 3 submissions from 3 submitters: Likely benign (3). Last evaluated 2026-01-05.

Conditions:
Inborn genetic diseases. Identifiers: MedGen C0950123, MeSH D030342.
Combined immunodeficiency due to LRBA deficiency. Also called: Common variable immunodeficiency 8, with autoimmunity. Identifiers: Orphanet 445018, MedGen C3553512, MONDO:0013863, OMIM 614700.

Allele frequency attached by ClinVar (database versions not stated): gnomAD 0.00023 and 0.00026; TOPMed 0.00036; ESP Exome Variant Server 0.00038.
gnomAD v4.1: 77 of 1,612,768 alleles (0.0048%); highest among the groups gnomAD compares: African/African-American, 0.089%; no homozygotes.

Submissions (3):

Labcorp Genetics (formerly Invitae), Labcorp
Classification: Likely benign for Combined immunodeficiency due to LRBA deficiency. Last evaluated: 2026-01-05. Review status: criteria provided, single submitter. Criteria: Invitae Variant Classification Sherloc (09022015). Collection method: clinical testing. Allele origin: germline.

Mayo Clinic Laboratories, Mayo Clinic
Classification: Likely benign. Last evaluated: 2025-08-13. Review status: criteria provided, single submitter. Criteria: ACMG Guidelines, 2015. Collection method: clinical testing. Allele origin: germline. Observed: 1 variant allele.
Comment: BP4, BP7

Ambry Genetics
Classification: Likely benign for Inborn genetic diseases. Last evaluated: 2024-01-03. Review status: criteria provided, single submitter. Criteria: Ambry Variant Classification Scheme 2023. Collection method: clinical testing. Allele origin: germline.

NM_001364905.1(LRBA):c.6906A>G (p.Ala2302=)

Gene: LRBA (LPS responsive beige-like anchor protein; minus strand). Cytogenetic location: 4q31.3.
Variant type: single nucleotide variant.
Coding change: c.6906A>G on transcript NM_001364905.1 (MANE Select); coding-DNA position 6906, A replaced by G.
Protein change: p.Ala2302=; no amino-acid change (alanine 2302 retained).
Molecular consequence: synonymous variant.
Genome position (GRCh38, 1-based): chr4:150,436,739, T>C on the plus strand (A>G on the coding strand, the complement: LRBA is on the minus strand). VCF-style: chr4-150436739-T-C. GRCh37 (hg19) VCF-style: chr4-151357891-T-C.
Other names: p.Ala2313=; c.6906A>G, p.Ala2302= (NM_001199282.3, NM_001367550.1); c.6939A>G, p.Ala2313= (NM_006726.5).
Identifiers: ClinVar variation 717286 (VCV000717286.12), dbSNP rs142336513, ClinGen allele CA3101785.